The following is an entry in ClinVar:

ClinVar aggregate classification (germline): Pathogenic (1 of 4 stars; one submission).

Conditions:
Baller-Gerold syndrome (BGS). Also called: CRANIOSYNOSTOSIS WITH RADIAL DEFECTS. Identifiers: Orphanet 1225, MedGen C0265308, MONDO:0009039, OMIM 218600.

Submission:

Labcorp Genetics (formerly Invitae), Labcorp
Classification: Pathogenic for Baller-Gerold syndrome. Last evaluated: 2021-08-02. Review status: criteria provided, single submitter. Criteria: Invitae Variant Classification Sherloc (09022015). Collection method: clinical testing. Allele origin: germline.
Comment: This sequence change creates a premature translational stop signal (p.Phe760Leufs*49) in the RECQL4 gene. It is expected to result in an absent or disrupted protein product. Loss-of-function variants in RECQL4 are known to be pathogenic (PMID: 12734318, 12952869). This variant is not present in population databases (ExAC no frequency). For these reasons, this variant has been classified as Pathogenic. This premature translational stop signal has been observed in individual(s) with clinical features of Rothmund–Thomson Syndrome (PMID: 27247962).

Literature cited by the submitters: PubMed 12734318; PubMed 12952869; PubMed 27247962.

NM_004260.4(RECQL4):c.2277dup (p.Phe760fs)

Gene: RECQL4 (RecQ like helicase 4; minus strand). Cytogenetic location: 8q24.3.
Variant type: Duplication.
Coding change: c.2277dup on transcript NM_004260.4 (MANE Select); coding-DNA position 2277, one base duplicated (C; older notation c.2277dupC).
Protein change: p.Phe760fs; shifts the reading frame from phenylalanine 760.
Molecular consequence: frameshift variant.
Genome position (GRCh38, 1-based): chr8:144,513,404, G duplicated on the plus strand (C on the coding strand, the reverse complement: RECQL4 is on the minus strand); the first of 2 consecutive G bases (chr8:144,513,404-144,513,405); duplicating either gives the same sequence. VCF-style (leftmost placement, unchanged base first): chr8-144513403-A-AG. GRCh37 (hg19) VCF-style: chr8-145738787-A-AG.
Other names: short protein forms F760fs.
Identifiers: ClinVar variation 1454337 (VCV001454337.6), dbSNP rs2130679588, ClinGen allele CA2573143075.